The following is an entry in ClinVar:

NM_018082.6(POLR3B):c.2533G>A (p.Val845Ile)

Gene: POLR3B (RNA polymerase III subunit B; plus strand). Cytogenetic location: 12q23.3.
Variant type: single nucleotide variant.
Coding change: c.2533G>A on transcript NM_018082.6 (MANE Select); coding-DNA position 2533, G replaced by A.
Protein change: p.Val845Ile; replaces valine 845 with isoleucine.
Molecular consequence: missense variant.
Genome position (GRCh38, 1-based): chr12:106,459,331, G>A. VCF-style: chr12-106459331-G-A. GRCh37 (hg19) VCF-style: chr12-106853109-G-A.
Other names: c.2359G>A, p.Val787Ile (NM_001160708.2); short protein forms V845I, V787I.
Identifiers: ClinVar variation 2324996 (VCV002324996.3), dbSNP rs2542168004, ClinGen allele CA386389544.

ClinVar aggregate classification (germline): Uncertain significance. Review status: criteria provided, multiple submitters, no conflicts (2 of 4 stars). 2 submissions from 2 submitters: Uncertain significance (2). Last evaluated 2025-06-17.

Conditions:
Inborn genetic diseases. Identifiers: MedGen C0950123, MeSH D030342.

Allele frequency attached by ClinVar (database versions not stated): gnomAD exomes 0.00001.
gnomAD v4.1: 7 of 1,597,718 alleles (0.00044%); highest among the groups gnomAD compares: Non-Finnish European, 0.0006%; no homozygotes.

Submissions (2):

Labcorp Genetics (formerly Invitae), Labcorp
Classification: Uncertain significance. Last evaluated: 2025-06-17. Review status: criteria provided, single submitter. Criteria: Invitae Variant Classification Sherloc (09022015). Collection method: clinical testing. Allele origin: germline.
Comment: This sequence change replaces valine, which is neutral and non-polar, with isoleucine, which is neutral and non-polar, at codon 845 of the POLR3B protein (p.Val845Ile). This variant is not present in population databases (gnomAD no frequency). This variant has not been reported in the literature in individuals affected with POLR3B-related conditions. ClinVar contains an entry for this variant (Variation ID: 2324996). Invitae Evidence Modeling of protein sequence and biophysical properties (such as structural, functional, and spatial information, amino acid conservation, physicochemical variation, residue mobility, and thermodynamic stability) indicates that this missense variant is not expected to disrupt POLR3B protein function with a negative predictive value of 80%. In summary, the available evidence is currently insufficient to determine the role of this variant in disease. Therefore, it has been classified as a Variant of Uncertain Significance.

Ambry Genetics
Classification: Uncertain significance for Inborn genetic diseases. Last evaluated: 2022-11-09. Review status: criteria provided, single submitter. Criteria: Ambry Variant Classification Scheme 2023. Collection method: clinical testing. Allele origin: germline.